The following is an entry in ClinVar:

NM_000368.5(TSC1):c.1208C>T (p.Ser403Leu)

Gene: TSC1 (TSC complex subunit 1; minus strand). Cytogenetic location: 9q34.13.
Variant type: single nucleotide variant.
Coding change: c.1208C>T on transcript NM_000368.5 (MANE Select); coding-DNA position 1208, C replaced by T.
Protein change: p.Ser403Leu; replaces serine 403 with leucine.
Molecular consequence: missense variant.
Genome position (GRCh38, 1-based): chr9:132,910,626, G>A on the plus strand (C>T on the coding strand, the complement: TSC1 is on the minus strand). VCF-style: chr9-132910626-G-A. GRCh37 (hg19) VCF-style: chr9-135786013-G-A.
Other names: p.S403L:TCG>TTG; c.1205C>T, p.Ser402Leu (NM_001162426.2); c.1055C>T, p.Ser352Leu (NM_001162427.2); c.845C>T, p.Ser282Leu (NM_001362177.2); short protein forms S403L, S282L, S402L, S352L.
Identifiers: ClinVar variation 48751 (VCV000048751.81), dbSNP rs118203504, ClinGen allele CA004489.

ClinVar aggregate classification (germline): Benign/Likely benign. Review status: criteria provided, multiple submitters, no conflicts (2 of 4 stars). 23 submissions from 22 submitters: Benign (9); Likely benign (8). 6 of the submissions do not count toward it. Last evaluated 2026-02-03.

Conditions:
Hereditary cancer-predisposing syndrome. Also called: Hereditary Cancer Syndrome; Tumor predisposition; Neoplastic Syndromes, Hereditary; Hereditary neoplastic syndrome. Identifiers: Orphanet 140162, MedGen C0027672, MeSH D009386, MONDO:0015356.
Tuberous sclerosis syndrome (TSC). Also called: Tuberous Sclerosis Complex; Tuberous sclerosis. Identifiers: Orphanet 805, MedGen C0041341, MONDO:0001734.
Isolated focal cortical dysplasia type II (FCORD2). Also called: CORTICAL DYSPLASIA OF TAYLOR; Focal cortical dysplasia type II. Identifiers: Orphanet 268994, MedGen C1846385, MONDO:0011818, OMIM 607341, HP:0032051.
Tuberous sclerosis 1 (TSC1). Identifiers: Orphanet 805, MedGen C1854465, MONDO:0008612, OMIM 191100.

Allele frequency attached by ClinVar (database versions not stated): 1000 Genomes Project 0.00020; gnomAD 0.00034 and 0.00036; gnomAD exomes 0.00035 and 0.00042; ExAC 0.00039; TOPMed 0.00049; ESP Exome Variant Server 0.00062; 1000 Genomes Project 30x 0.00016.
gnomAD v4.1: 665 of 1,614,098 alleles (0.041%); highest among the groups gnomAD compares: Non-Finnish European, 0.05%; no homozygotes.

Submissions (23):

Labcorp Genetics (formerly Invitae), Labcorp
Classification: Benign for Tuberous sclerosis 1. Last evaluated: 2026-02-03. Review status: criteria provided, single submitter. Criteria: Invitae Variant Classification Sherloc (09022015). Collection method: clinical testing. Allele origin: germline.

CeGaT Center for Human Genetics Tuebingen
Classification: Likely benign. Last evaluated: 2025-07-01. Review status: criteria provided, single submitter. Criteria: CeGaT Center For Human Genetics Tuebingen Variant Classification Criteria Version 2. Collection method: clinical testing. Allele origin: germline. Affected: yes. Observed: 7 variant alleles.
Comment: TSC1: BS1

ARUP Laboratories, Molecular Genetics and Genomics, ARUP Laboratories
Classification: Likely benign. Last evaluated: 2025-05-21. Review status: criteria provided, single submitter. Criteria: ARUP Molecular Germline Variant Investigation Process 2024. Collection method: clinical testing. Allele origin: germline.

Myriad Genetics, Inc.
Classification: Likely benign for Tuberous sclerosis 1. Last evaluated: 2025-04-09. Review status: criteria provided, single submitter. Criteria: Myriad Autosomal Dominant, Autosomal Recessive and X-Linked Classification Criteria (2023). Collection method: clinical testing. Allele origin: unknown.
Comment: This variant is considered likely benign. This variant has been observed at a population frequency that is significantly greater than expected given the associated disease prevalence and penetrance.

KCCC/NGS Laboratory, Kuwait Cancer Control Center
Classification: Benign for Tuberous sclerosis 1. Last evaluated: 2025-02-01. Review status: criteria provided, single submitter. Criteria: ACMG Guidelines, 2015. Collection method: clinical testing. Allele origin: germline. Affected: no.

Blueprint Genetics
Classification: Likely benign. Last evaluated: 2024-11-06. Review status: criteria provided, single submitter. Criteria: ACMG Guidelines, 2015. Collection method: clinical testing. Allele origin: germline.

Color Diagnostics, LLC DBA Color Health
Classification: Benign for Tuberous sclerosis syndrome. Last evaluated: 2022-08-30. Review status: criteria provided, single submitter. Criteria: ACMG Guidelines, 2015. Collection method: clinical testing. Allele origin: germline.

Genome-Nilou Lab
Classification: Benign for Tuberous sclerosis 1. Last evaluated: 2021-11-07. Review status: criteria provided, single submitter. Criteria: ACMG Guidelines, 2015. Collection method: clinical testing. Allele origin: germline. Affected: no.

Genetic Services Laboratory, University of Chicago
Classification: Likely benign. Last evaluated: 2021-10-19. Review status: criteria provided, single submitter. Criteria: ACMG Guidelines, 2015. Collection method: clinical testing. Allele origin: germline. Affected: no.

Women's Health and Genetics/Laboratory Corporation of America, LabCorp
Classification: Benign. Last evaluated: 2021-09-27. Review status: criteria provided, single submitter. Criteria: LabCorp Variant Classification Summary - May 2015. Collection method: clinical testing. Allele origin: germline.
Comment: Variant summary: TSC1 c.1208C>T (p.Ser403Leu) results in a non-conservative amino acid change in the encoded protein sequence. Three of five in-silico tools predict a damaging effect of the variant on protein function. The variant allele was found at a frequency of 0.00035 in 251090 control chromosomes, predominantly at a frequency of 0.00061 within the Non-Finnish European subpopulation in the gnomAD database. The observed variant frequency within Non-Finnish European control individuals in the gnomAD database is approximately 24 fold of the estimated maximal expected allele frequency for a pathogenic variant in TSC1 causing Tuberous Sclerosis Complex phenotype (2.5e-05), strongly suggesting that the variant is a benign polymorphism found primarily in populations of Non-Finnish European origin. To our knowledge, no occurrence of c.1208C>T in individuals affected with Tuberous Sclerosis Complex and no experimental evidence demonstrating its impact on protein function have been reported. Seven clinical diagnostic laboratories have submitted clinical-significance assessments for this variant to ClinVar after 2014 without evidence for independent evaluation (benign/likely benign n=6, VUS n=1). Based on the evidence outlined above, the variant was classified as benign.

Sema4
Classification: Benign for Hereditary cancer-predisposing syndrome. Last evaluated: 2021-04-05. Review status: criteria provided, single submitter. Criteria: Sema4 Curation Guidelines. Collection method: curation. Allele origin: germline.

GeneDx
Classification: Benign. Last evaluated: 2020-07-28. Review status: criteria provided, single submitter. Criteria: GeneDx Variant Classification Process June 2021. Collection method: clinical testing. Allele origin: germline. Affected: yes.
Comment: This variant is associated with the following publications: (PMID: 23514105, 28873162, 27930734, 24728327, 31623367)

Illumina Laboratory Services, Illumina
Classification: Benign for Isolated focal cortical dysplasia type II. Last evaluated: 2018-01-13. Review status: criteria provided, single submitter. Criteria: ICSL Variant Classification Criteria 13 December 2019. Collection method: clinical testing. Allele origin: germline.
Comment: This variant was observed in the ICSL laboratory as part of a predisposition screen in an ostensibly healthy population. It had not been previously curated by ICSL or reported in the Human Gene Mutation Database (HGMD: prior to June 1st, 2018), and was therefore a candidate for classification through an automated scoring system. Utilizing variant allele frequency, disease prevalence and penetrance estimates, and inheritance mode, an automated score was calculated to assess if this variant is too frequent to cause the disease. Based on the score and internal cut-off values, a variant classified as benign is not then subjected to further curation. The score for this variant resulted in a classification of benign for this disease.

Illumina Laboratory Services, Illumina
Classification: Likely benign for Tuberous sclerosis 1. Last evaluated: 2018-01-13. Review status: criteria provided, single submitter. Criteria: ICSL Variant Classification Criteria 13 December 2019. Collection method: clinical testing. Allele origin: germline.
Comment: This variant was observed in the ICSL laboratory as part of a predisposition screen in an ostensibly healthy population. It had not been previously curated by ICSL or reported in the Human Gene Mutation Database (HGMD: prior to June 1st, 2018), and was therefore a candidate for classification through an automated scoring system. Utilizing variant allele frequency, disease prevalence and penetrance estimates, and inheritance mode, an automated score was calculated to assess if this variant is too frequent to cause the disease. Based on the score and internal cut-off values, a variant classified as likely benign is not then subjected to further curation. The score for this variant resulted in a classification of likely benign for this disease.

Center for Pediatric Genomic Medicine, Children's Mercy Hospital and Clinics
Classification: Likely benign. Last evaluated: 2017-08-23. Review status: criteria provided, single submitter. Criteria: ACMG Guidelines, 2015. Collection method: clinical testing. Allele origin: germline.

Ambry Genetics
Classification: Benign for Hereditary cancer-predisposing syndrome. Last evaluated: 2016-09-27. Review status: criteria provided, single submitter. Criteria: Ambry Variant Classification Scheme 2023. Collection method: clinical testing. Allele origin: germline.

PreventionGenetics, part of Exact Sciences
Classification: Likely benign. Review status: criteria provided, single submitter. Criteria: ACMG Guidelines, 2015. Collection method: clinical testing. Allele origin: germline.

ITMI
No classification provided. Condition: AllHighlyPenetrant. Last evaluated: 2013-09-19. Review status: no classification provided. Collection method: reference population. Allele origin: germline. Not counted in ClinVar's aggregate classification.
Comment: Please see associated publication for description of ethnicities

Clinical Genetics DNA and cytogenetics Diagnostics Lab, Erasmus MC, Erasmus Medical Center
Classification: Benign. Review status: no assertion criteria provided. Collection method: clinical testing. Allele origin: germline. Affected: yes. Study: VKGL Data-share Consensus. Not counted in ClinVar's aggregate classification.

Clinical Genetics, Academic Medical Center
Classification: Likely benign. Review status: no assertion criteria provided. Collection method: clinical testing. Allele origin: germline. Affected: yes. Study: VKGL Data-share Consensus. Not counted in ClinVar's aggregate classification.

Diagnostic Laboratory, Department of Genetics, University Medical Center Groningen
Classification: Likely benign. Review status: no assertion criteria provided. Collection method: clinical testing. Allele origin: germline. Affected: yes. Study: VKGL Data-share Consensus. Not counted in ClinVar's aggregate classification.

Genome Diagnostics Laboratory, Amsterdam University Medical Center
Classification: Likely benign. Review status: no assertion criteria provided. Collection method: clinical testing. Allele origin: germline. Affected: yes. Study: VKGL Data-share Consensus. Not counted in ClinVar's aggregate classification.

Tuberous sclerosis database (TSC1)
No classification provided. Condition: TSC. Review status: no classification provided. Criteria: Tuberous Sclerosis Database Assertion Criteria 2015. Collection method: curation. Allele origin: germline. Affected: yes. Not counted in ClinVar's aggregate classification.

Literature cited by the submitters: PubMed 10227394 (cited by Ambry Genetics); PubMed 15798777 (cited by Ambry Genetics); PubMed 24728327 (cited by ITMI).